The following is an entry in ClinVar:

NM_032043.3(BRIP1):c.1457del (p.Thr486fs)

Gene: BRIP1 (BRCA1 interacting DNA helicase 1; minus strand). Cytogenetic location: 17q23.2.
Variant type: Deletion.
Coding change: c.1457del on transcript NM_032043.3 (MANE Select); coding-DNA position 1457, one base deleted (C; older notation c.1457delC).
Protein change: p.Thr486fs; shifts the reading frame from threonine 486.
Molecular consequence: frameshift variant.
Genome position (GRCh38, 1-based): chr17:61,793,613, G deleted on the plus strand (C on the coding strand, the reverse complement: BRIP1 is on the minus strand). VCF-style (leftmost placement, unchanged base first): chr17-61793612-AG-A. GRCh37 (hg19) VCF-style: chr17-59870973-AG-A.
Other names: short protein forms T486fs.
Identifiers: ClinVar variation 1075294 (VCV001075294.9), dbSNP rs2145239498, ClinGen allele CA2499224795.

ClinVar aggregate classification (germline): Pathogenic. Review status: criteria provided, multiple submitters, no conflicts (2 of 4 stars). 2 submissions from 2 submitters: Pathogenic (2). Last evaluated 2023-06-02.

Conditions:
Fanconi anemia complementation group J. Also called: BRIP1-Related Fanconi Anemia. Identifiers: Orphanet 84, MedGen C1836860, MONDO:0012187, OMIM 609054.
Familial cancer of breast. Also called: BREAST CANCER, FAMILIAL; hereditary breast carcinoma; Hereditary breast cancer. Identifiers: Orphanet 227535, MedGen C0346153, MONDO:0016419, OMIM 114480. Disease mechanism: loss of function.

Submissions (2):

Myriad Genetics, Inc.
Classification: Pathogenic for Familial cancer of breast. Last evaluated: 2023-06-02. Review status: criteria provided, single submitter. Criteria: Myriad Autosomal Dominant, Autosomal Recessive and X-Linked Classification Criteria (2023). Collection method: clinical testing. Allele origin: unknown.
Comment: This variant is considered pathogenic. This variant creates a frameshift predicted to result in premature protein truncation.

Labcorp Genetics (formerly Invitae), Labcorp
Classification: Pathogenic for Familial cancer of breast; Fanconi anemia complementation group J. Last evaluated: 2020-03-06. Review status: criteria provided, single submitter. Criteria: Invitae Variant Classification Sherloc (09022015). Collection method: clinical testing. Allele origin: germline.
Comment: This variant is not present in population databases (ExAC no frequency). For these reasons, this variant has been classified as Pathogenic. Loss-of-function variants in BRIP1 are known to be pathogenic (PMID: 16116423, 17033622, 21964575). This variant has not been reported in the literature in individuals with BRIP1-related conditions. This sequence change creates a premature translational stop signal (p.Thr486Ilefs*40) in the BRIP1 gene. It is expected to result in an absent or disrupted protein product.

Literature cited by the submitters: PubMed 16116423 (cited by Labcorp Genetics (formerly Invitae), Labcorp); PubMed 17033622 (cited by Labcorp Genetics (formerly Invitae), Labcorp); PubMed 21964575 (cited by Labcorp Genetics (formerly Invitae), Labcorp).